The following is an entry in ClinVar:

NM_001267550.2(TTN):c.104518C>T (p.Arg34840Trp)

Genes: TTN (titin; minus strand), TTN-AS1 (TTN antisense RNA 1; plus strand). Cytogenetic location: 2q31.2.
Variant type: single nucleotide variant.
Coding change: c.104518C>T on transcript NM_001267550.2 (MANE Select); coding-DNA position 104518, C replaced by T.
Protein change: p.Arg34840Trp; replaces arginine 34840 with tryptophan.
Molecular consequence: missense variant.
Genome position (GRCh38, 1-based): chr2:178,532,097, G>A on the plus strand (C>T on the coding strand, the complement: TTN is on the minus strand). VCF-style: chr2-178532097-G-A. GRCh37 (hg19) VCF-style: chr2-179396824-G-A.
Other names: c.77899C>T, p.Arg25967Trp (NM_133437.4); c.99595C>T, p.Arg33199Trp (NM_001256850.1); c.77323C>T, p.Arg25775Trp (NM_003319.4); c.96814C>T, p.Arg32272Trp (NM_133378.4); c.77698C>T, p.Arg25900Trp (NM_133432.3); short protein forms R25775W, R25967W, R25900W, R32272W, R33199W, R34840W.
Identifiers: ClinVar variation 1522859 (VCV001522859.9), dbSNP rs546085542, ClinGen allele CA1985412.

ClinVar aggregate classification (germline): Conflicting classifications of pathogenicity. Review status: criteria provided, conflicting classifications (1 of 4 stars). 2 submissions from 2 submitters: Uncertain significance (1); Likely benign (1). Last evaluated 2025-12-29.

Conditions:
Cardiomyopathy (CMYO). Also called: Cardiomyopathies. Identifiers: Orphanet 167848, MedGen C0878544, MONDO:0004994, HP:0001638. Inheritance: Various modes of inheritance.
Dilated cardiomyopathy 1G (CMD1G). Identifiers: Orphanet 154, MedGen C1858763, MONDO:0011400, OMIM 604145.
Autosomal recessive limb-girdle muscular dystrophy type 2J (LGMDR10). Also called: Limb-girdle muscular dystrophy, type 2J; MUSCULAR DYSTROPHY, LIMB-GIRDLE, AUTOSOMAL RECESSIVE 10. Identifiers: Orphanet 140922, MedGen C1837342, MONDO:0012127, OMIM 608807.

Allele frequency attached by ClinVar (database versions not stated): gnomAD exomes 0.00001 and 0.00004; gnomAD 0.00002 and 0.00003; ExAC 0.00003; TOPMed 0.00006; 1000 Genomes Project 30x 0.00016; 1000 Genomes Project 0.00020.
gnomAD v4.1: 13 of 1,613,922 alleles (0.00081%); highest among the groups gnomAD compares: East Asian, 0.016%; no homozygotes.

Submissions (2):

Labcorp Genetics (formerly Invitae), Labcorp
Classification: Uncertain significance for Dilated cardiomyopathy 1G; Autosomal recessive limb-girdle muscular dystrophy type 2J. Last evaluated: 2025-12-29. Review status: criteria provided, single submitter. Criteria: Invitae Variant Classification Sherloc (09022015). Collection method: clinical testing. Allele origin: germline.
Comment: This sequence change replaces arginine, which is basic and polar, with tryptophan, which is neutral and slightly polar, at codon 34840 of the TTN protein (p.Arg34840Trp). This variant is present in population databases (rs546085542, gnomAD 0.03%). This variant has not been reported in the literature in individuals affected with TTN-related conditions. ClinVar contains an entry for this variant (Variation ID: 1522859). Experimental studies and prediction algorithms are not available or were not evaluated, and the functional significance of this variant is currently unknown. This variant is located in the M band of TTN (PMID: 25589632). Non-truncating variants in this region may be relevant for neuromuscular disorders, but have not been definitively shown to cause cardiomyopathy (PMID: 23975875). In summary, the available evidence is currently insufficient to determine the role of this variant in disease. Therefore, it has been classified as a Variant of Uncertain Significance.

CHEO Genetics Diagnostic Laboratory, Children's Hospital of Eastern Ontario
Classification: Likely benign for Cardiomyopathy. Last evaluated: 2023-05-09. Review status: criteria provided, single submitter. Criteria: ACMG Guidelines, 2015. Collection method: clinical testing. Allele origin: germline.

Literature cited by the submitters: PubMed 25589632 (cited by Labcorp Genetics (formerly Invitae), Labcorp); PubMed 23975875 (cited by Labcorp Genetics (formerly Invitae), Labcorp).